The following is an entry in ClinVar:

NM_001287.6(CLCN7):c.1382C>G (p.Ser461Cys)

Gene: CLCN7 (Cl-/H+ antiporter 7; minus strand). Cytogenetic location: 16p13.3.
Variant type: single nucleotide variant.
Coding change: c.1382C>G on transcript NM_001287.6 (MANE Select); coding-DNA position 1382, C replaced by G.
Protein change: p.Ser461Cys; replaces serine 461 with cysteine.
Molecular consequence: missense variant.
Genome position (GRCh38, 1-based): chr16:1,451,688, G>C on the plus strand (C>G on the coding strand, the complement: CLCN7 is on the minus strand). VCF-style: chr16-1451688-G-C. GRCh37 (hg19) VCF-style: chr16-1501689-G-C.
Other names: c.1310C>G, p.Ser437Cys (NM_001114331.3); short protein forms S437C, S461C.
Identifiers: ClinVar variation 1390157 (VCV001390157.6), dbSNP rs2142373030, ClinGen allele CA394188210.

ClinVar aggregate classification (germline): Uncertain significance (1 of 4 stars; one submission).

Submission:

Labcorp Genetics (formerly Invitae), Labcorp
Classification: Uncertain significance. Last evaluated: 2025-11-24. Review status: criteria provided, single submitter. Criteria: Invitae Variant Classification Sherloc (09022015). Collection method: clinical testing. Allele origin: germline.
Comment: This sequence change replaces serine, which is neutral and polar, with cysteine, which is neutral and slightly polar, at codon 461 of the CLCN7 protein (p.Ser461Cys). This variant is not present in population databases (gnomAD no frequency). This variant has not been reported in the literature in individuals affected with CLCN7-related conditions. ClinVar contains an entry for this variant (Variation ID: 1390157). An algorithm developed to predict the effect of missense changes on protein structure and function (PolyPhen-2) suggests that this variant is likely to be disruptive. In summary, the available evidence is currently insufficient to determine the role of this variant in disease. Therefore, it has been classified as a Variant of Uncertain Significance.